The following is an entry in ClinVar:

ClinVar aggregate classification (germline): Benign/Likely benign. Review status: criteria provided, multiple submitters, no conflicts (2 of 4 stars). 3 submissions from 3 submitters: Benign (2); Likely benign (1). Last evaluated 2026-05-01.

Conditions:
Anterior segment dysgenesis 3 (ASGD3). Also called: Glaucoma iridogoniodysplasia, familial; IRIDOGONIODYSGENESIS ANOMALY, AUTOSOMAL DOMINANT. Identifiers: Orphanet 91483, MedGen C5975707, MONDO:0024456, OMIM 601631.
Axenfeld-Rieger syndrome type 3 (RIEG3). Also called: AXENFELD-RIEGER ANOMALY WITH CARDIAC DEFECTS AND/OR SENSORINEURAL HEARING LOSS. Identifiers: Orphanet 782, MedGen C2678503, MONDO:0011233, OMIM 602482.

Allele frequency attached by ClinVar (database versions not stated): ExAC 0.00010; TOPMed 0.00015; 1000 Genomes Project 30x 0.00047; gnomAD exomes 0.00213; gnomAD 0.00272 and 0.00284.

Submissions (3):

CeGaT Center for Human Genetics Tuebingen
Classification: Benign. Last evaluated: 2026-05-01. Review status: criteria provided, single submitter. Criteria: CeGaT Center For Human Genetics Tuebingen Variant Classification Criteria Version 2. Collection method: clinical testing. Allele origin: germline. Affected: yes. Observed: 1 variant allele.
Comment: FOXC1: BS1, BS2

Labcorp Genetics (formerly Invitae), Labcorp
Classification: Benign for Axenfeld-Rieger syndrome type 3. Last evaluated: 2026-01-14. Review status: criteria provided, single submitter. Criteria: Invitae Variant Classification Sherloc (09022015). Collection method: clinical testing. Allele origin: germline.

Fulgent Genetics
Classification: Likely benign for Anterior segment dysgenesis 3; Axenfeld-Rieger syndrome type 3. Last evaluated: 2021-08-30. Review status: criteria provided, single submitter. Criteria: ACMG Guidelines, 2015. Collection method: clinical testing. Allele origin: unknown.

NM_001453.3(FOXC1):c.1333A>C (p.Ser445Arg)

Gene: FOXC1 (forkhead box C1; plus strand). Cytogenetic location: 6p25.3.
Variant type: single nucleotide variant.
Coding change: c.1333A>C on transcript NM_001453.3 (MANE Select); coding-DNA position 1333, A replaced by C.
Protein change: p.Ser445Arg; replaces serine 445 with arginine.
Molecular consequence: missense variant.
Genome position (GRCh38, 1-based): chr6:1,611,778, A>C. VCF-style: chr6-1611778-A-C. GRCh37 (hg19) VCF-style: chr6-1612013-A-C.
Other names: short protein forms S445R.
Identifiers: ClinVar variation 1567057 (VCV001567057.11), dbSNP rs75089353, ClinGen allele CA3614885.
Genomic context (GRCh38, chr6:1,611,778, plus strand): 5'-GACGACCCCCTGCCCGACTACTCTCTGCCTCCGGTCACCAGCAGCAGCTCGTCGTCCCTG[A>C]GTCACGGCGGCGGCGGCGGCGGCGGCGGGGGAGGCCAGGAGGCCGGCCACCACCCTGCGG-3'
Protein context (NP_001444.2, residues 435-455): PVTSSSSSSL[Ser445Arg]HGGGGGGGGG